The following is an entry in ClinVar:

NM_000088.4(COL1A1):c.1211dup (p.Ile405fs)

Gene: COL1A1 (collagen type I alpha 1 chain; minus strand). Cytogenetic location: 17q21.33.
Variant type: Duplication.
Coding change: c.1211dup on transcript NM_000088.4 (MANE Select); coding-DNA position 1211, one base duplicated (G; older notation c.1211dupG).
Protein change: p.Ile405fs; shifts the reading frame from isoleucine 405.
Molecular consequence: frameshift variant.
Genome position (GRCh38, 1-based): chr17:50,195,320, C duplicated on the plus strand (G on the coding strand, the reverse complement: COL1A1 is on the minus strand); the first of 2 consecutive C bases (chr17:50,195,320-50,195,321); duplicating either gives the same sequence. VCF-style (leftmost placement, unchanged base first): chr17-50195319-A-AC. GRCh37 (hg19) VCF-style: chr17-48272680-A-AC.
Other names: short protein forms I405fs.
Identifiers: ClinVar variation 1457854 (VCV001457854.6), dbSNP rs2144575934, ClinGen allele CA2573154198.

ClinVar aggregate classification (germline): Pathogenic (1 of 4 stars; one submission).

Conditions:
Osteogenesis imperfecta type I (OI1). Also called: Lobstein disease; Classic Non-deforming Osteogenesis Imperfecta with Blue Sclerae; OI, TYPE I; OSTEOGENESIS IMPERFECTA TARDA; OSTEOGENESIS IMPERFECTA WITH BLUE SCLERAE; Osteogenesis imperfecta type 1. Identifiers: Orphanet 216796, Orphanet 666, MedGen C0023931, MONDO:0008146, OMIM 166200. Disease mechanism: loss of function.

Submission:

Labcorp Genetics (formerly Invitae), Labcorp
Classification: Pathogenic for Osteogenesis imperfecta type I. Last evaluated: 2021-02-15. Review status: criteria provided, single submitter. Criteria: Invitae Variant Classification Sherloc (09022015). Collection method: clinical testing. Allele origin: germline.
Comment: For these reasons, this variant has been classified as Pathogenic. Algorithms developed to predict the effect of sequence changes on RNA splicing suggest that this variant may create or strengthen a splice site, but this prediction has not been confirmed by published transcriptional studies. This variant has not been reported in the literature in individuals with COL1A1-related conditions. This variant is not present in population databases (ExAC no frequency). This sequence change creates a premature translational stop signal (p.Ile405Tyrfs*28) in the COL1A1 gene. It is expected to result in an absent or disrupted protein product. Loss-of-function variants in COL1A1 are known to be pathogenic (PMID: 7942841, 9295084, 9443882).

Literature cited by the submitters: PubMed 7942841; PubMed 9295084; PubMed 9443882.